The following is an entry in ClinVar:

NM_012431.3(SEMA3E):c.1736-7G>A

Gene: SEMA3E (semaphorin 3E; minus strand). Cytogenetic location: 7q21.11.
Variant type: single nucleotide variant.
Coding change: c.1736-7G>A on transcript NM_012431.3 (MANE Select); 7 bases into the intron before coding-DNA position 1736, G replaced by A.
Molecular consequence: intron variant.
Genome position (GRCh38, 1-based): chr7:83,385,440, C>T on the plus strand (G>A on the coding strand, the complement: SEMA3E is on the minus strand). VCF-style: chr7-83385440-C-T. GRCh37 (hg19) VCF-style: chr7-83014756-C-T.
Other names: c.1556-7G>A (NM_001178129.2).
Identifiers: ClinVar variation 4989890 (VCV004989890.1).

ClinVar aggregate classification (germline): Likely benign (1 of 4 stars; one submission).

Conditions:
SEMA3E-related disorder. Also called: SEMA3E-related condition.

gnomAD v4.1: 3 of 1,613,118 alleles (0.00019%); highest among the groups gnomAD compares: Non-Finnish European, 0.00025%; no homozygotes.

Submission:

PreventionGenetics, part of Exact Sciences
Classification: Likely benign for SEMA3E-related condition. Last evaluated: 2025-10-16. Review status: criteria provided, single submitter. Criteria: ACMG Guidelines, 2015. Collection method: clinical testing. Allele origin: germline.
Comment: This variant is classified as likely benign based on ACMG/AMP sequence variant interpretation guidelines (Richards et al. 2015 PMID: 25741868, with internal and published modifications).